The following is an entry in ClinVar:

NM_002878.4(RAD51D):c.823_841dup (p.Ile281fs)

Genes: RAD51D (RAD51 paralog D; minus strand), RAD51L3-RFFL (RAD51L3-RFFL readthrough; minus strand). Cytogenetic location: 17q12.
Variant type: Duplication.
Coding change: c.823_841dup on transcript NM_002878.4 (MANE Select); coding-DNA positions 823 to 841, 19 bases duplicated (CGGATTCTCCTGGACACCA).
Protein change: p.Ile281fs; shifts the reading frame from isoleucine 281.
Molecular consequence: frameshift variant. On other transcripts: non-coding transcript variant (3).
Genome position (GRCh38, 1-based): chr17:35,101,263-35,101,281, TGGTGTCCAGGAGAATCCG duplicated on the plus strand (CGGATTCTCCTGGACACCA on the coding strand, the reverse complement: RAD51D is on the minus strand). VCF-style (leftmost placement, unchanged base first): chr17-35101262-A-ATGGTGTCCAGGAGAATCCG. GRCh37 (hg19) VCF-style: chr17-33428281-A-ATGGTGTCCAGGAGAATCCG.
Other names: c.883_901dup, p.Ile301fs (NM_001142571.2); c.487_505dup, p.Ile169fs (NM_133629.3); short protein forms I281fs, I169fs, I301fs.
Identifiers: ClinVar variation 2087471 (VCV002087471.4), dbSNP rs2509124625, ClinGen allele CA2580093449.

ClinVar aggregate classification (germline): Likely pathogenic (1 of 4 stars; one submission).

Conditions:
Breast-ovarian cancer, familial, susceptibility to, 4. Identifiers: Orphanet 145, MedGen C3280345, MONDO:0013669, OMIM 614291.

Submission:

Labcorp Genetics (formerly Invitae), Labcorp
Classification: Likely pathogenic for Breast-ovarian cancer, familial, susceptibility to, 4. Last evaluated: 2022-01-18. Review status: criteria provided, single submitter. Criteria: Invitae Variant Classification Sherloc (09022015). Collection method: clinical testing. Allele origin: germline.
Comment: This variant disrupts the ATPase domain and RAD51C interaction domain of the RAD51D protein, which are necessary for the DNA repair activity (PMID: 14704354, 19327148, 21111057, 10749867). While functional studies have not been performed to directly test the effect of this variant on RAD51D protein function, this suggests that disruption of this region of the protein is causative of disease. This variant has not been reported in the literature in individuals affected with RAD51D-related conditions. This variant is not present in population databases (gnomAD no frequency). This sequence change results in a frameshift in the RAD51D gene (p.Ile281Thrfs*52). While this is not anticipated to result in nonsense mediated decay, it is expected to disrupt the last 48 amino acid(s) of the RAD51D protein and extend the protein by 3 additional amino acid residues. In summary, the currently available evidence indicates that the variant is pathogenic, but additional data are needed to prove that conclusively. Therefore, this variant has been classified as Likely Pathogenic.

Literature cited by the submitters: PubMed 14704354; PubMed 19327148; PubMed 21111057; PubMed 10749867.